The following is an entry in ClinVar:

ClinVar aggregate classification (germline): Pathogenic (1 of 4 stars; one submission).

Submission:

Labcorp Genetics (formerly Invitae), Labcorp
Classification: Pathogenic. Last evaluated: 2023-10-09. Review status: criteria provided, single submitter. Criteria: Invitae Variant Classification Sherloc (09022015). Collection method: clinical testing. Allele origin: germline.
Comment: This sequence change creates a premature translational stop signal (p.Gln373*) in the TPP1 gene. It is expected to result in an absent or disrupted protein product. Loss-of-function variants in TPP1 are known to be pathogenic (PMID: 10330339). This variant is not present in population databases (gnomAD no frequency). This variant has not been reported in the literature in individuals affected with TPP1-related conditions. For these reasons, this variant has been classified as Pathogenic.

Literature cited by the submitters: PubMed 10330339.

NM_000391.4(TPP1):c.1117C>T (p.Gln373Ter)

Gene: TPP1 (tripeptidyl peptidase 1; minus strand). Cytogenetic location: 11p15.4.
Variant type: single nucleotide variant.
Coding change: c.1117C>T on transcript NM_000391.4 (MANE Select); coding-DNA position 1117, C replaced by T.
Protein change: p.Gln373Ter; replaces glutamine 373 with a stop codon.
Molecular consequence: nonsense.
Genome position (GRCh38, 1-based): chr11:6,616,033, G>A on the plus strand (C>T on the coding strand, the complement: TPP1 is on the minus strand). VCF-style: chr11-6616033-G-A. GRCh37 (hg19) VCF-style: chr11-6637264-G-A.
Other names: short protein forms Q373*.
Identifiers: ClinVar variation 2994900 (VCV002994900.3), dbSNP rs112812685, ClinGen allele CA379473740.